The following is an entry in ClinVar:

NM_000391.4(TPP1):c.288_289dup (p.His97fs)

Gene: TPP1 (tripeptidyl peptidase 1; minus strand). Cytogenetic location: 11p15.4.
Variant type: Duplication.
Coding change: c.288_289dup on transcript NM_000391.4 (MANE Select); coding-DNA positions 288 to 289, 2 bases duplicated (CC; older notation c.288_289dupCC).
Protein change: p.His97fs; shifts the reading frame from histidine 97.
Molecular consequence: frameshift variant.
Genome position (GRCh38, 1-based): chr11:6,617,717-6,617,718, GG duplicated on the plus strand (CC on the coding strand, the reverse complement: TPP1 is on the minus strand). VCF-style (leftmost placement, unchanged base first): chr11-6617716-T-TGG. GRCh37 (hg19) VCF-style: chr11-6638947-T-TGG.
Other names: short protein forms H97fs.
Identifiers: ClinVar variation 2765609 (VCV002765609.3), dbSNP rs2493800449, ClinGen allele CA2697548409.
Genomic context (GRCh38, chr11:6,617,716, plus strand): 5'-TGTGTGATCACAGAATGGCACTTCTGGGCTCCGGCTGCCAAGAGCCATTTTTGCACCGTG[T>TGG]GGAGGGTCAGTGGGGATGGCCTCACCAGATCAGCCACATTCTCTAGGGTCAGGTATTTTC-3'

ClinVar aggregate classification (germline): Pathogenic (1 of 4 stars; one submission).

Submission:

Labcorp Genetics (formerly Invitae), Labcorp
Classification: Pathogenic. Last evaluated: 2023-06-04. Review status: criteria provided, single submitter. Criteria: Invitae Variant Classification Sherloc (09022015). Collection method: clinical testing. Allele origin: germline.
Comment: For these reasons, this variant has been classified as Pathogenic. This variant has not been reported in the literature in individuals affected with TPP1-related conditions. This variant is not present in population databases (gnomAD no frequency). This sequence change creates a premature translational stop signal (p.His97Profs*19) in the TPP1 gene. It is expected to result in an absent or disrupted protein product. Loss-of-function variants in TPP1 are known to be pathogenic (PMID: 10330339).

Literature cited by the submitters: PubMed 10330339.